The following is an entry in ClinVar:

NM_002633.3(PGM1):c.1514G>A (p.Ser505Asn)

Gene: PGM1 (phosphoglucomutase 1; plus strand). Cytogenetic location: 1p31.3.
Variant type: single nucleotide variant.
Coding change: c.1514G>A on transcript NM_002633.3 (MANE Select); coding-DNA position 1514, G replaced by A.
Protein change: p.Ser505Asn; replaces serine 505 with asparagine.
Molecular consequence: missense variant.
Genome position (GRCh38, 1-based): chr1:63,654,381, G>A. VCF-style: chr1-63654381-G-A. GRCh37 (hg19) VCF-style: chr1-64120052-G-A.
Other names: c.1568G>A, p.Ser523Asn (NM_001172818.1); c.923G>A, p.Ser308Asn (NM_001172819.2); short protein forms S308N, S505N, S523N.
Identifiers: ClinVar variation 2573821 (VCV002573821.1), dbSNP rs2523941940, ClinGen allele CA340639558.
Genomic context (GRCh38, chr1:63,654,381, plus strand): 5'-ATCTTTTCCAGGGCTTGCGCCTCATTTTCACAGATGGTTCTCGAATCGTCTTCCGACTGA[G>A]CGGCACTGGGAGTGCCGGGGCCACCATTCGGCTGTACATCGATAGCTATGAGAAGGACGT-3'
Protein context (NP_002624.2, residues 495-515): TDGSRIVFRL[Ser505Asn]GTGSAGATIR

ClinVar aggregate classification (germline): Uncertain significance (1 of 4 stars; one submission).

Submission:

GeneDx
Classification: Uncertain significance. Last evaluated: 2023-01-23. Review status: criteria provided, single submitter. Criteria: GeneDx Variant Classification Process June 2021. Collection method: clinical testing. Allele origin: germline. Affected: yes.
Comment: Not observed in large population cohorts (gnomAD); In silico analysis supports that this missense variant has a deleterious effect on protein structure/function; Has not been previously published as pathogenic or benign to our knowledge